The following is an entry in ClinVar:

ClinVar aggregate classification (germline): Uncertain significance (1 of 4 stars; one submission).

Conditions:
Bamforth-Lazarus syndrome. Identifiers: Orphanet 1226, MedGen C1855794, MONDO:0009437, OMIM 241850.

Allele frequency attached by ClinVar (database versions not stated): gnomAD exomes 0.00001.

Submission:

Baylor Genetics
Classification: Uncertain significance for Bamforth-Lazarus syndrome. Last evaluated: 2018-10-30. Review status: criteria provided, single submitter. Criteria: ACMG Guidelines, 2015. Collection method: clinical testing. Allele origin: unknown. Affected: yes. Study: CSER-TexasKidsCanSeq.
Comment: This variant was determined to be of uncertain significance according to ACMG Guidelines, 2015 [PMID:25741868].

NM_004473.4(FOXE1):c.533C>T (p.Ala178Val)

Gene: FOXE1 (forkhead box E1; plus strand). Cytogenetic location: 9q22.33.
Variant type: single nucleotide variant.
Coding change: c.533C>T on transcript NM_004473.4 (MANE Select); coding-DNA position 533, C replaced by T.
Protein change: p.Ala178Val; replaces alanine 178 with valine.
Molecular consequence: missense variant.
Genome position (GRCh38, 1-based): chr9:97,854,447, C>T. VCF-style: chr9-97854447-C-T. GRCh37 (hg19) VCF-style: chr9-100616729-C-T.
Other names: short protein forms A178V.
Identifiers: ClinVar variation 997656 (VCV000997656.2), dbSNP rs1830638124, ClinGen allele CA374347966.
Genomic context (GRCh38, chr9:97,854,447, plus strand): 5'-CGGCTTACATGCACGACGCGGCGGCTGCCGCAGCCGCCGCCGCCGCCGCCGCCGCCGCCG[C>T]CGCCATCTTCCCAGGCGCGGTGCCCGCCGCGCGCCCCCCCTACCCGGGCGCCGTCTATGC-3'
Protein context (NP_004464.2, residues 168-188): AAAAAAAAAA[Ala178Val]AIFPGAVPAA